The following is an entry in ClinVar:

ClinVar aggregate classification (germline): Conflicting classifications of pathogenicity. Review status: criteria provided, conflicting classifications (1 of 4 stars). 5 submissions from 5 submitters: Uncertain significance (1); Benign (1); Likely benign (3). Last evaluated 2025-11-18.

Conditions:
Hereditary cancer-predisposing syndrome. Also called: Hereditary neoplastic syndrome; Tumor predisposition; Neoplastic Syndromes, Hereditary; Hereditary Cancer Syndrome. Identifiers: Orphanet 140162, MedGen C0027672, MeSH D009386, MONDO:0015356.
Gorlin syndrome. Also called: Basal cell nevus syndrome; Nevoid Basal Cell Carcinoma Syndrome. Identifiers: Orphanet 377, MedGen C0004779, MONDO:0007187.

Allele frequency attached by ClinVar (database versions not stated): gnomAD exomes 0.00001.
gnomAD v4.1: 13 of 1,573,418 alleles (0.00083%); highest among the groups gnomAD compares: South Asian, 0.0023%; no homozygotes.

Submissions (5):

Labcorp Genetics (formerly Invitae), Labcorp
Classification: Likely benign for Gorlin syndrome. Last evaluated: 2025-11-18. Review status: criteria provided, single submitter. Criteria: Invitae Variant Classification Sherloc (09022015). Collection method: clinical testing. Allele origin: germline.

Quest Diagnostics Nichols Institute San Juan Capistrano
Classification: Uncertain significance. Last evaluated: 2024-06-17. Review status: criteria provided, single submitter. Criteria: Quest Diagnostics criteria. Collection method: clinical testing. Allele origin: unknown.
Comment: The PTCH1 c.3622G>A (p.Ala1208Thr) variant has not been reported in individuals with PTCH1-related conditions in the published literature. The frequency of this variant in the general population, 0.0000055 (1/180340 chromosomes (Genome Aggregation Database)), is uninformative in the assessment of its pathogenicity. Analysis of this variant using bioinformatics tools for the prediction of the effect of amino acid changes on protein structure and function yielded predictions that this variant is benign. Based on the available information, we are unable to determine the clinical significance of this variant.

Ambry Genetics
Classification: Benign for Hereditary cancer-predisposing syndrome. Last evaluated: 2024-03-28. Review status: criteria provided, single submitter. Criteria: Ambry Variant Classification Scheme 2023. Collection method: clinical testing. Allele origin: germline.

KCCC/NGS Laboratory, Kuwait Cancer Control Center
Classification: Likely benign for Basal cell nevus syndrome 1. Last evaluated: 2023-07-07. Review status: criteria provided, single submitter. Criteria: ACMG Guidelines, 2015. Collection method: clinical testing. Allele origin: germline. Affected: yes.

GeneDx
Classification: Likely benign. Last evaluated: 2015-06-12. Review status: criteria provided, single submitter. Criteria: GeneDx Variant Classification (06012015). Collection method: clinical testing. Allele origin: germline. Affected: yes.
Comment: This variant is considered likely benign or benign based on one or more of the following criteria: it is a conservative change, it occurs at a poorly conserved position in the protein, it is predicted to be benign by multiple in silico algorithms, and/or has population frequency not consistent with disease.

NM_000264.5(PTCH1):c.3622G>A (p.Ala1208Thr)

Gene: PTCH1 (patched 1; minus strand). Cytogenetic location: 9q22.32.
Variant type: single nucleotide variant.
Coding change: c.3622G>A on transcript NM_000264.5 (MANE Select); coding-DNA position 3622, G replaced by A.
Protein change: p.Ala1208Thr; replaces alanine 1208 with threonine.
Molecular consequence: missense variant. On other transcripts: non-coding transcript variant (1).
Genome position (GRCh38, 1-based): chr9:95,449,251, C>T on the plus strand (G>A on the coding strand, the complement: PTCH1 is on the minus strand). VCF-style: chr9-95449251-C-T. GRCh37 (hg19) VCF-style: chr9-98211533-C-T.
Other names: c.3424G>A, p.Ala1142Thr (NM_001083602.3); c.3619G>A, p.Ala1207Thr (NM_001083603.3); c.3169G>A, p.Ala1057Thr (NM_001083604.3, NM_001083605.3, NM_001083606.3 and 1 more transcripts); c.3466G>A, p.Ala1156Thr (NM_001354918.2); c.3622G>A (NM_000264.4); short protein forms A1142T, A1208T, A1207T, A1156T, A1057T.
Identifiers: ClinVar variation 379447 (VCV000379447.19), dbSNP rs945517672, ClinGen allele CA16605915.